The following is an entry in ClinVar:

ClinVar aggregate classification (germline): Conflicting classifications of pathogenicity. Review status: criteria provided, conflicting classifications (1 of 4 stars). 2 submissions from 2 submitters: Uncertain significance (1); Benign (1). Last evaluated 2025-01-01.

Allele frequency attached by ClinVar (database versions not stated): ESP Exome Variant Server 0.00043; gnomAD 0.00054; ExAC 0.00080.
gnomAD v4.1: 1,080 of 1,560,948 alleles (0.069%); highest among the groups gnomAD compares: Middle Eastern, 0.25%; 7 homozygotes.

Submissions (2):

CeGaT Center for Human Genetics Tuebingen
Classification: Benign. Last evaluated: 2025-01-01. Review status: criteria provided, single submitter. Criteria: CeGaT Center For Human Genetics Tuebingen Variant Classification Criteria Version 2. Collection method: clinical testing. Allele origin: germline. Affected: yes. Observed: 2 variant alleles.
Comment: MUC5B: BP4, BS1, BS2

Ambry Genetics
Classification: Uncertain significance. Last evaluated: 2021-09-28. Review status: criteria provided, single submitter. Criteria: Ambry Variant Classification Scheme 2023. Collection method: clinical testing. Allele origin: germline.

NM_002458.3(MUC5B):c.10187C>T (p.Thr3396Met)

Genes: MUC5B (mucin 5B, oligomeric mucus/gel-forming; plus strand), MUC5B-AS1 (MUC5B antisense RNA 1; minus strand). Cytogenetic location: 11p15.5.
Variant type: single nucleotide variant.
Coding change: c.10187C>T on transcript NM_002458.3 (MANE Select); coding-DNA position 10187, C replaced by T.
Protein change: p.Thr3396Met; replaces threonine 3396 with methionine.
Molecular consequence: missense variant.
Genome position (GRCh38, 1-based): chr11:1,247,067, C>T. VCF-style: chr11-1247067-C-T. GRCh37 (hg19) VCF-style: chr11-1268297-C-T.
Other names: c.10187C>T (NM_002458.2); short protein forms T3396M.
Identifiers: ClinVar variation 2672436 (VCV002672436.24), dbSNP rs202040871, ClinGen allele CA5807254.